The following is an entry in ClinVar:

ClinVar aggregate classification (germline): Uncertain significance. Review status: criteria provided, multiple submitters, no conflicts (2 of 4 stars). 2 submissions from 2 submitters: Uncertain significance (2). Last evaluated 2024-12-19.

Conditions:
Inborn genetic diseases. Identifiers: MedGen C0950123, MeSH D030342.
Kabuki syndrome. Also called: Kabuki make-up syndrome; NIIKAWA-KUROKI SYNDROME. Identifiers: Orphanet 2322, MedGen C0796004, MONDO:0016512.

Allele frequency attached by ClinVar (database versions not stated): gnomAD exomes below 0.00001; gnomAD 0.00001; TOPMed 0.00001.
gnomAD v4.1: 4 of 1,611,802 alleles (0.00025%); highest among the groups gnomAD compares: Admixed American, 0.005%; no homozygotes.

Submissions (2):

Labcorp Genetics (formerly Invitae), Labcorp
Classification: Uncertain significance for Kabuki syndrome. Last evaluated: 2024-12-19. Review status: criteria provided, single submitter. Criteria: Invitae Variant Classification Sherloc (09022015). Collection method: clinical testing. Allele origin: germline.
Comment: This sequence change replaces histidine, which is basic and polar, with tyrosine, which is neutral and polar, at codon 4340 of the KMT2D protein (p.His4340Tyr). This variant is not present in population databases (gnomAD no frequency). This variant has not been reported in the literature in individuals affected with KMT2D-related conditions. ClinVar contains an entry for this variant (Variation ID: 2155406). Invitae Evidence Modeling of protein sequence and biophysical properties (such as structural, functional, and spatial information, amino acid conservation, physicochemical variation, residue mobility, and thermodynamic stability) indicates that this missense variant is not expected to disrupt KMT2D protein function with a negative predictive value of 95%. In summary, the available evidence is currently insufficient to determine the role of this variant in disease. Therefore, it has been classified as a Variant of Uncertain Significance.

Ambry Genetics
Classification: Uncertain significance for Inborn genetic diseases. Last evaluated: 2024-01-08. Review status: criteria provided, single submitter. Criteria: Ambry Variant Classification Scheme 2023. Collection method: clinical testing. Allele origin: germline.

NM_003482.4(KMT2D):c.13018C>T (p.His4340Tyr)

Gene: KMT2D (lysine methyltransferase 2D; minus strand). Cytogenetic location: 12q13.12.
Variant type: single nucleotide variant.
Coding change: c.13018C>T on transcript NM_003482.4 (MANE Select); coding-DNA position 13018, C replaced by T.
Protein change: p.His4340Tyr; replaces histidine 4340 with tyrosine.
Molecular consequence: missense variant.
Genome position (GRCh38, 1-based): chr12:49,031,687, G>A on the plus strand (C>T on the coding strand, the complement: KMT2D is on the minus strand). VCF-style: chr12-49031687-G-A. GRCh37 (hg19) VCF-style: chr12-49425470-G-A.
Other names: short protein forms H4340Y.
Identifiers: ClinVar variation 2155406 (VCV002155406.5), dbSNP rs1942919037, ClinGen allele CA384707947.